The following is an entry in ClinVar:

ClinVar aggregate classification (germline): Uncertain significance. Review status: criteria provided, multiple submitters, no conflicts (2 of 4 stars). 2 submissions from 2 submitters: Uncertain significance (2). Last evaluated 2025-04-23.

Conditions:
Congenital contractural arachnodactyly (CCA). Also called: Beals-Hecht syndrome; Arthrogryposis, distal, type 9; BEALS SYNDROME. Identifiers: Orphanet 115, MedGen C0220668, MONDO:0007363, OMIM 121050.
Familial thoracic aortic aneurysm and aortic dissection (TAAD). Also called: Thoracic aortic aneurysms and dissections. Identifiers: Orphanet 91387, MedGen C4707243, MONDO:0019625.

Allele frequency attached by ClinVar (database versions not stated): gnomAD exomes below 0.00001 and 0.00001; ESP Exome Variant Server 0.00008.
gnomAD v4.1: 7 of 1,613,626 alleles (0.00043%); highest among the groups gnomAD compares: Middle Eastern, 0.05%; no homozygotes.

Submissions (2):

Labcorp Genetics (formerly Invitae), Labcorp
Classification: Uncertain significance for Congenital contractural arachnodactyly. Last evaluated: 2025-04-23. Review status: criteria provided, single submitter. Criteria: Invitae Variant Classification Sherloc (09022015). Collection method: clinical testing. Allele origin: germline.
Comment: This sequence change replaces glutamic acid, which is acidic and polar, with lysine, which is basic and polar, at codon 635 of the FBN2 protein (p.Glu635Lys). This variant is present in population databases (rs138963610, gnomAD 0.0009%). This variant has not been reported in the literature in individuals affected with FBN2-related conditions. ClinVar contains an entry for this variant (Variation ID: 1379823). Invitae Evidence Modeling of protein sequence and biophysical properties (such as structural, functional, and spatial information, amino acid conservation, physicochemical variation, residue mobility, and thermodynamic stability) has been performed for this missense variant. However, the output from this modeling did not meet the statistical confidence thresholds required to predict the impact of this variant on FBN2 protein function. In summary, the available evidence is currently insufficient to determine the role of this variant in disease. Therefore, it has been classified as a Variant of Uncertain Significance.

Ambry Genetics
Classification: Uncertain significance for Familial thoracic aortic aneurysm and aortic dissection. Last evaluated: 2025-03-27. Review status: criteria provided, single submitter. Criteria: Ambry Variant Classification Scheme 2023. Collection method: clinical testing. Allele origin: germline.
Comment: The p.E635K variant (also known as c.1903G>A), located in coding exon 14 of the FBN2 gene, results from a G to A substitution at nucleotide position 1903. The glutamic acid at codon 635 is replaced by lysine, an amino acid with similar properties. This amino acid position is highly conserved in available vertebrate species. In addition, this alteration is predicted to be deleterious by in silico analysis. Based on the available evidence, the clinical significance of this variant remains unclear.

NM_001999.4(FBN2):c.1903G>A (p.Glu635Lys)

Gene: FBN2 (fibrillin 2; minus strand). Cytogenetic location: 5q23.3.
Variant type: single nucleotide variant.
Coding change: c.1903G>A on transcript NM_001999.4 (MANE Select); coding-DNA position 1903, G replaced by A.
Protein change: p.Glu635Lys; replaces glutamic acid 635 with lysine.
Molecular consequence: missense variant.
Genome position (GRCh38, 1-based): chr5:128,376,800, C>T on the plus strand (G>A on the coding strand, the complement: FBN2 is on the minus strand). VCF-style: chr5-128376800-C-T. GRCh37 (hg19) VCF-style: chr5-127712493-C-T.
Other names: c.1903G>A (NM_001999.3); short protein forms E635K.
Identifiers: ClinVar variation 1379823 (VCV001379823.9), dbSNP rs138963610, ClinGen allele CA127023072.
Genomic context (GRCh38, chr5:128,376,800, plus strand): 5'-AACGCCCATTTGGAGCCAAGACAAATCCTGGTTTGCAGATGCACTTGAAGCTGCCATCTT[C>T]ATTGATGCACATTCCATTCAAACACATGTTGGTAGTTGTACATTCATCATGATCTGCAGA-3'
Protein context (NP_001990.2, residues 625-645): NMCLNGMCIN[Glu635Lys]DGSFKCICKP